The following is an entry in ClinVar:

ClinVar aggregate classification (germline): Conflicting classifications of pathogenicity. Review status: criteria provided, conflicting classifications (1 of 4 stars). 4 submissions from 4 submitters: Uncertain significance (3); Likely benign (1). Last evaluated 2025-08-20.

Conditions:
Emery-Dreifuss muscular dystrophy 5, autosomal dominant (EDMD5). Also called: EMERY-DREIFUSS MUSCULAR DYSTROPHY 5. Identifiers: Orphanet 261, MedGen C2751805, MONDO:0013072, OMIM 612999.

Allele frequency attached by ClinVar (database versions not stated): gnomAD exomes 0.00002 and 0.00007; TOPMed 0.00002; ExAC 0.00003; gnomAD 0.00003.
gnomAD v4.1: 105 of 1,612,310 alleles (0.0065%); highest among the groups gnomAD compares: Non-Finnish European, 0.0082%; no homozygotes.

Submissions (4):

Ambry Genetics
Classification: Uncertain significance. Last evaluated: 2025-08-20. Review status: criteria provided, single submitter. Criteria: Ambry Variant Classification Scheme 2023. Collection method: clinical testing. Allele origin: germline.

Labcorp Genetics (formerly Invitae), Labcorp
Classification: Uncertain significance for Emery-Dreifuss muscular dystrophy 5, autosomal dominant. Last evaluated: 2024-11-20. Review status: criteria provided, single submitter. Criteria: Invitae Variant Classification Sherloc (09022015). Collection method: clinical testing. Allele origin: germline.
Comment: This sequence change replaces phenylalanine, which is neutral and non-polar, with leucine, which is neutral and non-polar, at codon 4994 of the SYNE2 protein (p.Phe4994Leu). This variant is present in population databases (rs747348017, gnomAD 0.003%). This variant has not been reported in the literature in individuals affected with SYNE2-related conditions. ClinVar contains an entry for this variant (Variation ID: 313602). An algorithm developed to predict the effect of missense changes on protein structure and function (PolyPhen-2) suggests that this variant is likely to be disruptive. In summary, the available evidence is currently insufficient to determine the role of this variant in disease. Therefore, it has been classified as a Variant of Uncertain Significance.

Revvity Omics, Revvity
Classification: Uncertain significance for Emery-Dreifuss muscular dystrophy 5, autosomal dominant. Last evaluated: 2019-04-24. Review status: criteria provided, single submitter. Criteria: ACMG Guidelines, 2015. Collection method: clinical testing. Allele origin: germline.

Illumina Laboratory Services, Illumina
Classification: Likely benign for Emery-Dreifuss muscular dystrophy 5, autosomal dominant. Last evaluated: 2018-01-13. Review status: criteria provided, single submitter. Criteria: ICSL Variant Classification Criteria 13 December 2019. Collection method: clinical testing. Allele origin: germline.
Comment: This variant was observed in the ICSL laboratory as part of a predisposition screen in an ostensibly healthy population. It had not been previously curated by ICSL or reported in the Human Gene Mutation Database (HGMD: prior to June 1st, 2018), and was therefore a candidate for classification through an automated scoring system. Utilizing variant allele frequency, disease prevalence and penetrance estimates, and inheritance mode, an automated score was calculated to assess if this variant is too frequent to cause the disease. Based on the score and internal cut-off values, a variant classified as likely benign is not then subjected to further curation. The score for this variant resulted in a classification of likely benign for this disease.

NM_182914.3(SYNE2):c.14980T>C (p.Phe4994Leu)

Gene: SYNE2 (spectrin repeat containing nuclear envelope protein 2; plus strand). Cytogenetic location: 14q23.2.
Variant type: single nucleotide variant.
Coding change: c.14980T>C on transcript NM_182914.3 (MANE Select); coding-DNA position 14980, T replaced by C.
Protein change: p.Phe4994Leu; replaces phenylalanine 4994 with leucine.
Molecular consequence: missense variant.
Genome position (GRCh38, 1-based): chr14:64,141,344, T>C. VCF-style: chr14-64141344-T-C. GRCh37 (hg19) VCF-style: chr14-64608062-T-C.
Other names: c.14980T>C, p.Phe4994Leu (NM_015180.6); short protein forms F4994L.
Identifiers: ClinVar variation 313602 (VCV000313602.19), dbSNP rs747348017, ClinGen allele CA7222952.